The following is an entry in ClinVar:

ClinVar aggregate classification (germline): Uncertain significance (1 of 4 stars; one submission).

Submission:

Medical Genetic Center, Changzhi Maternal and Child Health Care Hospital
Classification: Uncertain significance. Last evaluated: 2025-12-10. Review status: criteria provided, single submitter. Criteria: ACMG/ClinGen CNV Guidelines, 2019. Collection method: clinical testing. Allele origin: unknown.

GRCh38/hg38 16p12.2(chr16:21394007-21830033)x1

Genes: IGSF6 (immunoglobulin superfamily member 6), METTL9 (methyltransferase 9, His-X-His N1(pi)-histidine), MIR3680-1 (microRNA 3680-1), NPIPB3 (nuclear pore complex interacting protein family member B3; minus strand), OTOA (otoancorin) and 10 more. Cytogenetic location: 16p12.2.
Variant type: copy number loss.
Change: copy number 1 (one copy instead of two) of chr16:21,394,007-21,830,033 (436.0 kb, GRCh38 coordinates, 1-based), cytogenetic band 16p12.2.
Identifiers: ClinVar variation 4796146 (VCV004796146.1).